The following is an entry in ClinVar:

ClinVar aggregate classification (germline): Likely benign. Review status: criteria provided, multiple submitters, no conflicts (2 of 4 stars). 2 submissions from 2 submitters: Likely benign (2). Last evaluated 2025-12-01.

Conditions:
Inborn genetic diseases. Identifiers: MedGen C0950123, MeSH D030342.

Allele frequency attached by ClinVar (database versions not stated): ExAC 0.00003; gnomAD exomes 0.00004; gnomAD 0.00005; TOPMed 0.00007; ESP Exome Variant Server 0.00008.
gnomAD v4.1: 67 of 1,614,020 alleles (0.0042%); highest among the groups gnomAD compares: Middle Eastern, 0.016%; no homozygotes.

Submissions (2):

CeGaT Center for Human Genetics Tuebingen
Classification: Likely benign. Last evaluated: 2025-12-01. Review status: criteria provided, single submitter. Criteria: CeGaT Center For Human Genetics Tuebingen Variant Classification Criteria Version 2. Collection method: clinical testing. Allele origin: germline. Affected: yes. Observed: 2 variant alleles.
Comment: ZNF462: BP4, BS2

Ambry Genetics
Classification: Likely benign for Inborn genetic diseases. Last evaluated: 2023-05-09. Review status: criteria provided, single submitter. Criteria: Ambry Variant Classification Scheme 2023. Collection method: clinical testing. Allele origin: germline.

NM_021224.6(ZNF462):c.623C>T (p.Pro208Leu)

Gene: ZNF462 (zinc finger protein 462; plus strand). Cytogenetic location: 9q31.2.
Variant type: single nucleotide variant.
Coding change: c.623C>T on transcript NM_021224.6 (MANE Select); coding-DNA position 623, C replaced by T.
Protein change: p.Pro208Leu; replaces proline 208 with leucine.
Molecular consequence: missense variant.
Genome position (GRCh38, 1-based): chr9:106,924,535, C>T. VCF-style: chr9-106924535-C-T. GRCh37 (hg19) VCF-style: chr9-109686816-C-T.
Other names: c.623C>T, p.Pro208Leu (NM_001347997.2); short protein forms P208L.
Identifiers: ClinVar variation 2508323 (VCV002508323.26), dbSNP rs199521620, ClinGen allele CA5171184.